The following is an entry in ClinVar:

ClinVar aggregate classification (germline): Likely benign (1 of 4 stars; one submission).

gnomAD v4.1: 1 of 1,614,134 alleles (0.000062%); highest among the groups gnomAD compares: Non-Finnish European, 0.000085%; no homozygotes.

Submission:

CeGaT Center for Human Genetics Tuebingen
Classification: Likely benign. Last evaluated: 2025-09-01. Review status: criteria provided, single submitter. Criteria: CeGaT Center For Human Genetics Tuebingen Variant Classification Criteria Version 2. Collection method: clinical testing. Allele origin: germline. Affected: yes. Observed: 1 variant allele.
Comment: RAB3GAP2: BP4, BP7

NM_012414.4(RAB3GAP2):c.4131A>G (p.Leu1377=)

Gene: RAB3GAP2 (RAB3 GTPase activating non-catalytic protein subunit 2; minus strand). Cytogenetic location: 1q41.
Variant type: single nucleotide variant.
Coding change: c.4131A>G on transcript NM_012414.4 (MANE Select); coding-DNA position 4131, A replaced by G.
Protein change: p.Leu1377=; no amino-acid change (leucine 1377 retained).
Molecular consequence: synonymous variant.
Genome position (GRCh38, 1-based): chr1:220,151,302, T>C on the plus strand (A>G on the coding strand, the complement: RAB3GAP2 is on the minus strand). VCF-style: chr1-220151302-T-C. GRCh37 (hg19) VCF-style: chr1-220324644-T-C.
Identifiers: ClinVar variation 4281057 (VCV004281057.7).
Genomic context (GRCh38, chr1:220,151,302, plus strand): 5'-AGGTAAGTGTCATAAAGAAGGAAGAGATATGGCTTCCACAGCTTCAATGAGGTGTAAGGC[T>C]AGACCATATTGCCCATGTTTTTCTGGTAAAAGCTCAATTACTTTATTTACTAGTTTAGCT-3'
Protein context (NP_036546.2, residues 1367-1387): LLPEKHGQYG[Leu1377=]ALHLIEAVEA